The following is an entry in ClinVar:

ClinVar aggregate classification (germline): Conflicting classifications of pathogenicity. Review status: criteria provided, conflicting classifications (1 of 4 stars). 4 submissions from 4 submitters: Uncertain significance (2); Likely benign (2). Last evaluated 2025-06-15.

Conditions:
Cardiomyopathy (CMYO). Also called: Cardiomyopathies. Identifiers: Orphanet 167848, MedGen C0878544, MONDO:0004994, HP:0001638. Inheritance: Various modes of inheritance.
Arrhythmogenic right ventricular dysplasia 5. Also called: Arrhythmogenic Right Ventricular Dysplasia/Cardiomyopathy 5; ARRHYTHMOGENIC RIGHT VENTRICULAR DYSPLASIA, FAMILIAL, 5. Identifiers: MedGen C1858379, MONDO:0011459, OMIM 604400.

Allele frequency attached by ClinVar (database versions not stated): ExAC 0.00001; gnomAD 0.00001; gnomAD exomes 0.00001.
gnomAD v4.1: 13 of 1,613,894 alleles (0.00081%); highest among the groups gnomAD compares: Admixed American, 0.0017%; no homozygotes.

Submissions (4):

Labcorp Genetics (formerly Invitae), Labcorp
Classification: Likely benign for Arrhythmogenic right ventricular dysplasia 5. Last evaluated: 2025-06-15. Review status: criteria provided, single submitter. Criteria: Invitae Variant Classification Sherloc (09022015). Collection method: clinical testing. Allele origin: germline.

Color Diagnostics, LLC DBA Color Health
Classification: Uncertain significance for Cardiomyopathy. Last evaluated: 2023-12-05. Review status: criteria provided, single submitter. Criteria: ACMG Guidelines, 2015. Collection method: clinical testing. Allele origin: germline.
Comment: This synonymous variant does not change the amino acid sequence of the TMEM43 protein. Splice site prediction tools and conservation analysis are inconclusive regarding the impact of this variant on RNA splicing. To our knowledge, functional studies have not been reported for this variant. This variant has not been reported in individuals affected with cardiovascular disorders in the literature. This variant has been identified in 2/251352 chromosomes in the general population by the Genome Aggregation Database (gnomAD). The available evidence is insufficient to determine the role of this variant in disease conclusively. Therefore, this variant is classified as a Variant of Uncertain Significance.

Women's Health and Genetics/Laboratory Corporation of America, LabCorp
Classification: Likely benign. Last evaluated: 2017-12-21. Review status: criteria provided, single submitter. Criteria: LabCorp Variant Classification Summary - May 2015. Collection method: clinical testing. Allele origin: germline.
Comment: Variant summary: The TMEM43 c.99G>A (p.Ser33Ser) variant involves the alteration of a not conserved nucleotide, resulting in a synonymous change. One in silico tool predicts a damaging outcome for this variant. 4/5 splice prediction tools predict this variant may impact normal splicing. ESE finder predicts that this variant may affect multiple ESE sites. However, these predictions have yet to be confirmed by functional studies. This variant was found in 3/246134 control chromosomes in gnomAD at a frequency of 0.0000122, which is slightly above the estimated maximal expected allele frequency of a pathogenic TMEM43 variant (0.00001), suggesting this variant is likely a benign polymorphism. However, one clinical diagnostic laboratory classified this variant as uncertain significance. The variant of interest has not, to our knowledge, been reported in affected individuals via publications and/or reputable databases/clinical diagnostic laboratories; nor evaluated for functional impact by in vivo/vitro studies. Taken together, this variant is classified as likely benign.

GeneDx
Classification: Uncertain significance. Last evaluated: 2017-03-22. Review status: criteria provided, single submitter. Criteria: GeneDx Variant Classification (06012015). Collection method: clinical testing. Allele origin: germline. Affected: yes.
Comment: The c.99 G>A variant of uncertain significance in the TMEM43 gene has not been published as pathogenic or been reported as benign to our knowledge. This variant is not observed at a significant frequency in large population cohorts (Lek et al., 2016; 1000 Genomes Consortium et al., 2015; Exome Variant Server). Although c.99 G>A results in a synonymous amino acid substitution (S33S), in silico splice prediction programs predict this variant may create a cryptic splice donor site upstream from the natural splice donor site, and may cause abnormal gene splicing. However, in the absence of functional mRNA studies, the physiological consequence of this variant cannot be precisely determined. Furthermore, this substitution occurs at a nucleotide that is not conserved across species, and adenine (A) is the wild-type nucleotide at this position in some species. Finally, no pathogenic splice site variants in the TMEM43 gene have been reported in the Human Gene Mutation Database (Stenson et al., 2014).

NM_024334.3(TMEM43):c.99G>A (p.Ser33=)

Gene: TMEM43 (transmembrane protein 43; plus strand). Cytogenetic location: 3p25.1.
Variant type: single nucleotide variant.
Coding change: c.99G>A on transcript NM_024334.3 (MANE Select); coding-DNA position 99, G replaced by A.
Protein change: p.Ser33=; no amino-acid change (serine 33 retained).
Molecular consequence: synonymous variant.
Genome position (GRCh38, 1-based): chr3:14,129,498, G>A. VCF-style: chr3-14129498-G-A. GRCh37 (hg19) VCF-style: chr3-14170998-G-A.
Identifiers: ClinVar variation 424421 (VCV000424421.14), dbSNP rs147710692, ClinGen allele CA056432.